The following is an entry in ClinVar:

ClinVar aggregate classification (germline): Uncertain significance (1 of 4 stars; one submission).

Conditions:
Regional enteritis. Also called: Enteritis, Granulomatous. Identifiers: MedGen C0678202, MeSH D003424.
Blau syndrome (BLAUS). Also called: GRANULOMATOSIS, FAMILIAL JUVENILE SYSTEMIC; GRANULOMATOSIS, FAMILIAL, BLAU TYPE; GRANULOMATOUS INFLAMMATORY ARTHRITIS, DERMATITIS, AND UVEITIS, FAMILIAL; JABS SYNDROME; ARTHROCUTANEOUVEAL GRANULOMATOSIS. Identifiers: Orphanet 90340, MedGen C5201146, MONDO:0008523, OMIM 186580.

Allele frequency attached by ClinVar (database versions not stated): gnomAD exomes below 0.00001; TOPMed below 0.00001.
gnomAD v4.1: 4 of 1,613,910 alleles (0.00025%); highest among the groups gnomAD compares: Non-Finnish European, 0.00025%; no homozygotes.

Submission:

Labcorp Genetics (formerly Invitae), Labcorp
Classification: Uncertain significance for Regional enteritis; Blau syndrome. Last evaluated: 2021-09-25. Review status: criteria provided, single submitter. Criteria: Invitae Variant Classification Sherloc (09022015). Collection method: clinical testing. Allele origin: germline.
Comment: This variant is not present in population databases (ExAC no frequency). In summary, the available evidence is currently insufficient to determine the role of this variant in disease. Therefore, it has been classified as a Variant of Uncertain Significance. Advanced modeling of protein sequence and biophysical properties (such as structural, functional, and spatial information, amino acid conservation, physicochemical variation, residue mobility, and thermodynamic stability) performed at Invitae indicates that this missense variant is not expected to disrupt NOD2 protein function. This variant has not been reported in the literature in individuals affected with NOD2-related conditions. This sequence change replaces serine with asparagine at codon 39 of the NOD2 protein (p.Ser39Asn). The serine residue is moderately conserved and there is a small physicochemical difference between serine and asparagine.

NM_001370466.1(NOD2):c.35G>A (p.Ser12Asn)

Gene: NOD2 (nucleotide binding oligomerization domain containing 2; plus strand). Cytogenetic location: 16q12.1.
Variant type: single nucleotide variant.
Coding change: c.35G>A on transcript NM_001370466.1 (MANE Select); coding-DNA position 35, G replaced by A.
Protein change: p.Ser12Asn; replaces serine 12 with asparagine.
Molecular consequence: missense variant. On other transcripts: non-coding transcript variant (1).
Genome position (GRCh38, 1-based): chr16:50,699,530, G>A. VCF-style: chr16-50699530-G-A. GRCh37 (hg19) VCF-style: chr16-50733441-G-A.
Other names: c.35G>A, p.Ser12Asn (NM_001293557.2); c.116G>A, p.Ser39Asn (NM_022162.3); short protein forms S39N, S12N.
Identifiers: ClinVar variation 1479088 (VCV001479088.6), dbSNP rs1567380395, ClinGen allele CA395865335.
Genomic context (GRCh38, chr16:50,699,530, plus strand): 5'-CCTTGTTCTCCTCCCCAGGTTGTGAAATGTGCTCGCAGGAGGCTTTTCAGGCACAGAGGA[G>A]CCAGCTGGTCGAGCTGCTGGTCTCAGGGTCCCTGGAAGGCTTCGAGAGTGTCCTGGACTG-3'
Protein context (NP_001357395.1, residues 2-22): CSQEAFQAQR[Ser12Asn]QLVELLVSGS